The following is an entry in ClinVar:

ClinVar aggregate classification (germline): Uncertain significance. Review status: criteria provided, multiple submitters, no conflicts (2 of 4 stars). 3 submissions from 3 submitters: Uncertain significance (3). Last evaluated 2025-07-23.

Conditions:
Myofibrillar myopathy 5. Also called: Filaminopathy (type); FILAMINOPATHY, AUTOSOMAL DOMINANT. Identifiers: Orphanet 171445, MedGen C1836050, MONDO:0012289, OMIM 609524.
Hypertrophic cardiomyopathy 26. Also called: Cardiomyopathy, familial hypertrophic, 26. Identifiers: Orphanet 75249, MedGen C4310749, MONDO:0014883, OMIM 617047.
Distal myopathy with posterior leg and anterior hand involvement. Also called: WILLIAMS DISTAL MYOPATHY. Identifiers: Orphanet 63273, MedGen C3279722, MONDO:0013550, OMIM 614065.

gnomAD v4.1: 30 of 1,613,732 alleles (0.0019%); highest among the groups gnomAD compares: Non-Finnish European, 0.0025%; no homozygotes.

Submissions (3):

Labcorp Genetics (formerly Invitae), Labcorp
Classification: Uncertain significance for Distal myopathy with posterior leg and anterior hand involvement; Myofibrillar myopathy 5; Hypertrophic cardiomyopathy 26. Last evaluated: 2025-07-23. Review status: criteria provided, single submitter. Criteria: Invitae Variant Classification Sherloc (09022015). Collection method: clinical testing. Allele origin: germline.
Comment: This sequence change replaces aspartic acid, which is acidic and polar, with tyrosine, which is neutral and polar, at codon 723 of the FLNC protein (p.Asp723Tyr). This variant is present in population databases (no rsID available, gnomAD 0.0009%). This variant has not been reported in the literature in individuals affected with FLNC-related conditions. ClinVar contains an entry for this variant (Variation ID: 1303873). Invitae Evidence Modeling of protein sequence and biophysical properties (such as structural, functional, and spatial information, amino acid conservation, physicochemical variation, residue mobility, and thermodynamic stability) has been performed for this missense variant. However, the output from this modeling did not meet the statistical confidence thresholds required to predict the impact of this variant on FLNC protein function. In summary, the available evidence is currently insufficient to determine the role of this variant in disease. Therefore, it has been classified as a Variant of Uncertain Significance.

Blueprint Genetics
Classification: Uncertain significance. Last evaluated: 2024-04-23. Review status: criteria provided, single submitter. Criteria: ACMG Guidelines, 2015. Collection method: clinical testing. Allele origin: germline.

GeneDx
Classification: Uncertain significance. Last evaluated: 2019-09-20. Review status: criteria provided, single submitter. Criteria: GeneDx Variant Classification Process June 2021. Collection method: clinical testing. Allele origin: germline. Affected: yes.
Comment: Has not been previously published as pathogenic or benign to our knowledge; Not observed at a significant frequency in large population cohorts (Lek et al., 2016); In silico analysis, which includes protein predictors and evolutionary conservation, supports a deleterious effect

NM_001458.5(FLNC):c.2167G>T (p.Asp723Tyr)

Gene: FLNC (filamin C; plus strand). Cytogenetic location: 7q32.1.
Variant type: single nucleotide variant.
Coding change: c.2167G>T on transcript NM_001458.5 (MANE Select); coding-DNA position 2167, G replaced by T.
Protein change: p.Asp723Tyr; replaces aspartic acid 723 with tyrosine.
Molecular consequence: missense variant.
Genome position (GRCh38, 1-based): chr7:128,842,276, G>T. VCF-style: chr7-128842276-G-T. GRCh37 (hg19) VCF-style: chr7-128482330-G-T.
Other names: c.2167G>T, p.Asp723Tyr (NM_001127487.2); short protein forms D723Y.
Identifiers: ClinVar variation 1303873 (VCV001303873.4), dbSNP rs375414341, ClinGen allele CA369228866.
Genomic context (GRCh38, chr7:128,842,276, plus strand): 5'-GGGTGATGCCCACAGGACGCCGACGGCTGTCCCATCGACATCAAGGTGATCCCCAACGGC[G>T]ACGGCACCTTCCGCTGCTCCTACGTGCCCACCAAGCCCATTAAGCACACCATCATCATCT-3'
Protein context (NP_001449.3, residues 713-733): PIDIKVIPNG[Asp723Tyr]GTFRCSYVPT